The following is an entry in ClinVar:

NM_001384732.1(CPLANE1):c.81+5G>T

Gene: CPLANE1 (ciliogenesis and planar polarity effector complex subunit 1; minus strand). Cytogenetic location: 5p13.2.
Variant type: single nucleotide variant.
Coding change: c.81+5G>T on transcript NM_001384732.1 (MANE Select); 5 bases into the intron after coding-DNA position 81, G replaced by T.
Molecular consequence: intron variant.
Genome position (GRCh38, 1-based): chr5:37,247,613, C>A on the plus strand (G>T on the coding strand, the complement: CPLANE1 is on the minus strand). VCF-style: chr5-37247613-C-A. GRCh37 (hg19) VCF-style: chr5-37247715-C-A.
Other names: c.81+5G>T (NM_023073.4).
Identifiers: ClinVar variation 389027 (VCV000389027.6), dbSNP rs1057523306, ClinGen allele CA16604963.

ClinVar aggregate classification (germline): Conflicting classifications of pathogenicity. Review status: criteria provided, conflicting classifications (1 of 4 stars). 2 submissions from 2 submitters: Likely pathogenic (1); Uncertain significance (1). Last evaluated 2023-10-11.

Allele frequency attached by ClinVar (database versions not stated): TOPMed below 0.00001; gnomAD exomes 0.00001.
gnomAD v4.1: 21 of 1,549,532 alleles (0.0014%); highest among the groups gnomAD compares: Non-Finnish European, 0.0017%; no homozygotes.

Submissions (2):

Blueprint Genetics
Classification: Uncertain significance. Last evaluated: 2023-10-11. Review status: criteria provided, single submitter. Criteria: ACMG Guidelines, 2015. Collection method: clinical testing. Allele origin: germline.

GeneDx
Classification: Likely pathogenic. Last evaluated: 2022-04-19. Review status: criteria provided, single submitter. Criteria: GeneDx Variant Classification Process June 2021. Collection method: clinical testing. Allele origin: germline. Affected: yes.
Comment: Not observed in large population cohorts (gnomAD); In silico analysis supports a deleterious effect on splicing; Has not been previously published as pathogenic or benign to our knowledge